The following is an entry in ClinVar:

NM_001943.5(DSG2):c.3239G>A (p.Gly1080Glu)

Genes: DSG2 (desmoglein 2; plus strand), DSG2-AS1 (DSG2 antisense RNA 1; minus strand). Cytogenetic location: 18q12.1.
Variant type: single nucleotide variant.
Coding change: c.3239G>A on transcript NM_001943.5 (MANE Select); coding-DNA position 3239, G replaced by A.
Protein change: p.Gly1080Glu; replaces glycine 1080 with glutamic acid.
Molecular consequence: missense variant.
Genome position (GRCh38, 1-based): chr18:31,546,625, G>A. VCF-style: chr18-31546625-G-A. GRCh37 (hg19) VCF-style: chr18-29126588-G-A.
Other names: short protein forms G1080E.
Identifiers: ClinVar variation 4528069 (VCV004528069.1).

ClinVar aggregate classification (germline): Uncertain significance (1 of 4 stars; one submission).

Submission:

GeneDx
Classification: Uncertain significance. Last evaluated: 2025-05-05. Review status: criteria provided, single submitter. Criteria: GeneDx Variant Classification Process June 2021. Collection method: clinical testing. Allele origin: germline. Affected: yes.
Comment: Not observed at significant frequency in large population cohorts (gnomAD); In silico analysis supports that this missense variant has a deleterious effect on protein structure/function; Has not been previously published as pathogenic or benign to our knowledge